The following is an entry in ClinVar:

NM_001197104.2(KMT2A):c.3830C>G (p.Ser1277Trp)

Gene: KMT2A (lysine methyltransferase 2A; plus strand). Cytogenetic location: 11q23.3.
Variant type: single nucleotide variant.
Coding change: c.3830C>G on transcript NM_001197104.2 (MANE Select); coding-DNA position 3830, C replaced by G.
Protein change: p.Ser1277Trp; replaces serine 1277 with tryptophan.
Molecular consequence: missense variant.
Genome position (GRCh38, 1-based): chr11:118,481,910, C>G. VCF-style: chr11-118481910-C-G. GRCh37 (hg19) VCF-style: chr11-118352625-C-G.
Other names: c.3929C>G, p.Ser1310Trp (NM_001412597.1); c.3830C>G, p.Ser1277Trp (NM_005933.4); short protein forms S1277W, S1310W.
Identifiers: ClinVar variation 2084103 (VCV002084103.4), dbSNP rs782070742, ClinGen allele CA382828096.

ClinVar aggregate classification (germline): Uncertain significance (1 of 4 stars; one submission).

gnomAD v4.1: 1 of 1,614,216 alleles (0.000062%); highest among the groups gnomAD compares: Admixed American, 0.0017%; no homozygotes.

Submission:

Labcorp Genetics (formerly Invitae), Labcorp
Classification: Uncertain significance. Last evaluated: 2026-01-26. Review status: criteria provided, single submitter. Criteria: Invitae Variant Classification Sherloc (09022015). Collection method: clinical testing. Allele origin: germline.
Comment: This sequence change replaces serine, which is neutral and polar, with tryptophan, which is neutral and slightly polar, at codon 1277 of the KMT2A protein (p.Ser1277Trp). This variant is not present in population databases (gnomAD no frequency). This variant has not been reported in the literature in individuals affected with KMT2A-related conditions. ClinVar contains an entry for this variant (Variation ID: 2084103). Invitae Evidence Modeling of protein sequence and biophysical properties (such as structural, functional, and spatial information, amino acid conservation, physicochemical variation, residue mobility, and thermodynamic stability) has been performed for this missense variant. However, the output from this modeling did not meet the statistical confidence thresholds required to predict the impact of this variant on KMT2A protein function. In summary, the available evidence is currently insufficient to determine the role of this variant in disease. Therefore, it has been classified as a Variant of Uncertain Significance.